The following is an entry in ClinVar:

NM_020821.3(VPS13C):c.3326T>C (p.Ile1109Thr)

Gene: VPS13C (vacuolar protein sorting 13 homolog C; minus strand). Cytogenetic location: 15q22.2.
Variant type: single nucleotide variant.
Coding change: c.3326T>C on transcript NM_020821.3 (MANE Select); coding-DNA position 3326, T replaced by C.
Protein change: p.Ile1109Thr; replaces isoleucine 1109 with threonine.
Molecular consequence: missense variant.
Genome position (GRCh38, 1-based): chr15:61,963,840, A>G on the plus strand (T>C on the coding strand, the complement: VPS13C is on the minus strand). VCF-style: chr15-61963840-A-G. GRCh37 (hg19) VCF-style: chr15-62256039-A-G.
Other names: c.3326T>C (NM_020821.2); c.3326T>C, p.Ile1109Thr (NM_001018088.3); c.3197T>C, p.Ile1066Thr (NM_017684.5, NM_018080.4); short protein forms I1066T, I1109T.
Identifiers: ClinVar variation 1481204 (VCV001481204.9), dbSNP rs1334028131, ClinGen allele CA392706361.

ClinVar aggregate classification (germline): Uncertain significance. Review status: criteria provided, multiple submitters, no conflicts (2 of 4 stars). 2 submissions from 2 submitters: Uncertain significance (2). Last evaluated 2021-11-12.

Conditions:
Inborn genetic diseases. Identifiers: MedGen C0950123, MeSH D030342.

Allele frequency attached by ClinVar (database versions not stated): TOPMed below 0.00001; gnomAD 0.00001; gnomAD exomes 0.00001.
gnomAD v4.1: 17 of 1,606,582 alleles (0.0011%); highest among the groups gnomAD compares: Admixed American, 0.0051%; no homozygotes.

Submissions (2):

Ambry Genetics
Classification: Uncertain significance for Inborn genetic diseases. Last evaluated: 2021-11-12. Review status: criteria provided, single submitter. Criteria: Ambry Variant Classification Scheme 2023. Collection method: clinical testing. Allele origin: germline.

Labcorp Genetics (formerly Invitae), Labcorp
Classification: Uncertain significance. Last evaluated: 2021-04-23. Review status: criteria provided, single submitter. Criteria: Invitae Variant Classification Sherloc (09022015). Collection method: clinical testing. Allele origin: germline.
Comment: In summary, the available evidence is currently insufficient to determine the role of this variant in disease. Therefore, it has been classified as a Variant of Uncertain Significance. Algorithms developed to predict the effect of missense changes on protein structure and function (SIFT, PolyPhen-2, Align-GVGD) all suggest that this variant is likely to be tolerated, but these predictions have not been confirmed by published functional studies and their clinical significance is uncertain. This variant has not been reported in the literature in individuals with VPS13C-related conditions. This variant is not present in population databases (ExAC no frequency). This sequence change replaces isoleucine with threonine at codon 1109 of the VPS13C protein (p.Ile1109Thr). The isoleucine residue is moderately conserved and there is a moderate physicochemical difference between isoleucine and threonine.